The following is an entry in ClinVar:

NM_001384732.1(CPLANE1):c.2043C>A (p.Phe681Leu)

Gene: CPLANE1 (ciliogenesis and planar polarity effector complex subunit 1; minus strand). Cytogenetic location: 5p13.2.
Variant type: single nucleotide variant.
Coding change: c.2043C>A on transcript NM_001384732.1 (MANE Select); coding-DNA position 2043, C replaced by A.
Protein change: p.Phe681Leu; replaces phenylalanine 681 with leucine.
Molecular consequence: missense variant.
Genome position (GRCh38, 1-based): chr5:37,226,552, G>T on the plus strand (C>A on the coding strand, the complement: CPLANE1 is on the minus strand). VCF-style: chr5-37226552-G-T. GRCh37 (hg19) VCF-style: chr5-37226654-G-T.
Other names: c.2043C>A, p.Phe681Leu (NM_023073.4); short protein forms F681L.
Identifiers: ClinVar variation 1400479 (VCV001400479.3), dbSNP rs1429624123, ClinGen allele CA359497146.

ClinVar aggregate classification (germline): Uncertain significance (1 of 4 stars; one submission).

Allele frequency attached by ClinVar (database versions not stated): gnomAD exomes below 0.00001 and 0.00001; TOPMed 0.00001.
gnomAD v4.1: 1 of 1,549,122 alleles (0.000065%); highest among the groups gnomAD compares: Admixed American, 0.002%; no homozygotes.

Submission:

Labcorp Genetics (formerly Invitae), Labcorp
Classification: Uncertain significance. Last evaluated: 2022-07-06. Review status: criteria provided, single submitter. Criteria: Invitae Variant Classification Sherloc (09022015). Collection method: clinical testing. Allele origin: germline.
Comment: This sequence change replaces phenylalanine, which is neutral and non-polar, with leucine, which is neutral and non-polar, at codon 681 of the CPLANE1 protein (p.Phe681Leu). This variant is present in population databases (no rsID available, gnomAD 0.004%). This variant has not been reported in the literature in individuals affected with CPLANE1-related conditions. ClinVar contains an entry for this variant (Variation ID: 1400479). Algorithms developed to predict the effect of missense changes on protein structure and function output the following: SIFT: "Deleterious"; PolyPhen-2: "Benign"; Align-GVGD: "Class C0". The leucine amino acid residue is found in multiple mammalian species, which suggests that this missense change does not adversely affect protein function. In summary, the available evidence is currently insufficient to determine the role of this variant in disease. Therefore, it has been classified as a Variant of Uncertain Significance.